The following is an entry in ClinVar:

ClinVar aggregate classification (germline): Likely benign. Review status: criteria provided, multiple submitters, no conflicts (2 of 4 stars). 6 submissions from 6 submitters: Likely benign (6). Last evaluated 2025-12-09.

Conditions:
MYH6-related disorder. Also called: MYH6-related condition; MYH6-Related Disorders.
Cardiovascular phenotype. Identifiers: MedGen CN230736.
Cardiomyopathy (CMYO). Also called: Cardiomyopathies. Identifiers: Orphanet 167848, MedGen C0878544, MONDO:0004994, HP:0001638. Inheritance: Various modes of inheritance.
Hypertrophic cardiomyopathy 14. Identifiers: MedGen C2750467, MONDO:0013197, OMIM 613251.

Allele frequency attached by ClinVar (database versions not stated): ExAC 0.00001; gnomAD exomes 0.00001; gnomAD 0.00003 and 0.00004; TOPMed 0.00003.
gnomAD v4.1: 19 of 1,613,636 alleles (0.0012%); highest among the groups gnomAD compares: African/African-American, 0.0053%; no homozygotes.

Submissions (6):

PreventionGenetics, part of Exact Sciences
Classification: Likely benign for MYH6-related condition. Last evaluated: 2025-12-09. Review status: criteria provided, single submitter. Criteria: ACMG Guidelines, 2015. Collection method: clinical testing. Allele origin: germline.
Comment: This variant is classified as likely benign based on ACMG/AMP sequence variant interpretation guidelines (Richards et al. 2015 PMID: 25741868, with internal and published modifications).

Labcorp Genetics (formerly Invitae), Labcorp
Classification: Likely benign for Hypertrophic cardiomyopathy 14. Last evaluated: 2025-03-24. Review status: criteria provided, single submitter. Criteria: Invitae Variant Classification Sherloc (09022015). Collection method: clinical testing. Allele origin: germline.

Ambry Genetics
Classification: Likely benign for Cardiovascular phenotype. Last evaluated: 2023-05-25. Review status: criteria provided, single submitter. Criteria: Ambry Variant Classification Scheme 2023. Collection method: clinical testing. Allele origin: germline.

CHEO Genetics Diagnostic Laboratory, Children's Hospital of Eastern Ontario
Classification: Likely benign for Cardiomyopathy. Last evaluated: 2021-01-08. Review status: criteria provided, single submitter. Criteria: ACMG Guidelines, 2015. Collection method: clinical testing. Allele origin: germline.

GeneDx
Classification: Likely benign. Last evaluated: 2018-10-12. Review status: criteria provided, single submitter. Criteria: GeneDx Variant Classification Process June 2021. Collection method: clinical testing. Allele origin: germline. Affected: yes.

Breakthrough Genomics
Classification: Likely benign. Review status: criteria provided, single submitter. Criteria: ACMG Guidelines, 2015. Collection method: not provided. Allele origin: germline. Inheritance: Autosomal dominant inheritance. Affected: yes.

NM_002471.4(MYH6):c.4164C>T (p.Leu1388=)

Gene: MYH6 (myosin heavy chain 6; minus strand). Cytogenetic location: 14q11.2.
Variant type: single nucleotide variant.
Coding change: c.4164C>T on transcript NM_002471.4 (MANE Select); coding-DNA position 4164, C replaced by T.
Protein change: p.Leu1388=; no amino-acid change (leucine 1388 retained).
Molecular consequence: synonymous variant.
Genome position (GRCh38, 1-based): chr14:23,388,870, G>A on the plus strand (C>T on the coding strand, the complement: MYH6 is on the minus strand). VCF-style: chr14-23388870-G-A. GRCh37 (hg19) VCF-style: chr14-23858079-G-A.
Identifiers: ClinVar variation 714391 (VCV000714391.16), dbSNP rs201379347, ClinGen allele CA7114912.